The following is an entry in ClinVar:

NM_002294.3(LAMP2):c.183T>G (p.Tyr61Ter)

Gene: LAMP2 (lysosome associated membrane protein 2; minus strand). Cytogenetic location: Xq24.
Variant type: single nucleotide variant.
Coding change: c.183T>G on transcript NM_002294.3 (MANE Select); coding-DNA position 183, T replaced by G.
Protein change: p.Tyr61Ter; replaces tyrosine 61 with a stop codon.
Molecular consequence: nonsense.
Genome position (GRCh38, 1-based): chrX:120,456,651, A>C on the plus strand (T>G on the coding strand, the complement: LAMP2 is on the minus strand). VCF-style: chrX-120456651-A-C. GRCh37 (hg19) VCF-style: chrX-119590506-A-C.
Other names: c.183T>G, p.Tyr61Ter (NM_001122606.1, NM_013995.2); short protein forms Y61*.
Identifiers: ClinVar variation 44419 (VCV000044419.8), dbSNP rs397516736, ClinGen allele CA134085.

ClinVar aggregate classification (germline): Pathogenic. Review status: criteria provided, single submitter (1 of 4 stars). 2 submissions from 2 submitters: Pathogenic (1). 1 of the submissions does not count toward it. Last evaluated 2023-04-25.

Conditions:
Danon disease. Also called: ANTOPOL DISEASE; PSEUDOGLYCOGENOSIS II; GSD IIb; LYSOSOMAL GLYCOGEN STORAGE DISEASE WITHOUT ACID MALTASE DEFICIENCY; Glycogen Storage Disease Type IIb. Identifiers: Orphanet 34587, MedGen C0878677, MONDO:0010281, OMIM 300257.
Hypertrophic cardiomyopathy. Also called: HYPERTROPHIC MYOCARDIOPATHY. Identifiers: Orphanet 217569, MedGen C0007194, MeSH D002312, MONDO:0005045, HP:0001639.

Submissions (2):

Labcorp Genetics (formerly Invitae), Labcorp
Classification: Pathogenic for Danon disease. Last evaluated: 2023-04-25. Review status: criteria provided, single submitter. Criteria: Invitae Variant Classification Sherloc (09022015). Collection method: clinical testing. Allele origin: germline.
Comment: For these reasons, this variant has been classified as Pathogenic. ClinVar contains an entry for this variant (Variation ID: 44419). This variant has not been reported in the literature in individuals affected with LAMP2-related conditions. This variant is not present in population databases (gnomAD no frequency). This sequence change creates a premature translational stop signal (p.Tyr61*) in the LAMP2 gene. It is expected to result in an absent or disrupted protein product. Loss-of-function variants in LAMP2 are known to be pathogenic (PMID: 21415759).

Laboratory for Molecular Medicine, Mass General Brigham Personalized Medicine
Classification: Likely pathogenic for Hypertrophic cardiomyopathy. Last evaluated: 2008-03-01. Review status: no assertion criteria provided. Collection method: clinical testing. Allele origin: germline. Observed: 1 variant allele. Not counted in ClinVar's aggregate classification.

Literature cited by the submitters: PubMed 21415759 (cited by Labcorp Genetics (formerly Invitae), Labcorp).